The following is an entry in ClinVar:

NM_001142800.2(EYS):c.9079_9082del (p.Arg3027fs)

Genes: EYS (EGF-like photoreceptor maintenance factor; minus strand), PHF3 (PHD finger protein 3; plus strand). Cytogenetic location: 6q12.
Variant type: Microsatellite.
Coding change: c.9079_9082del on transcript NM_001142800.2 (MANE Select); coding-DNA positions 9079 to 9082, 4 bases deleted (AGAA; older notation c.9079_9082delAGAA).
Protein change: p.Arg3027fs; shifts the reading frame from arginine 3027.
Molecular consequence: frameshift variant. On other transcripts: 3 prime UTR variant (5).
Genome position (GRCh38, 1-based): chr6:63,720,949-63,720,952, TTCT deleted on the plus strand (AGAA on the coding strand, the reverse complement: EYS is on the minus strand); deleting any 4 consecutive bases within chr6:63,720,949-63,720,956 gives the same sequence; the c. name uses the placement nearest the transcript's 3' end. VCF-style (leftmost placement, unchanged base first): chr6-63720948-ATTCT-A. GRCh37 (hg19) VCF-style: chr6-64430844-ATTCT-A.
Other names: c.9079_9082del (NM_001142800.1); c.*7241TTCT[1] (NM_001290259.2, NM_001370348.2, NM_001370349.2 and 2 more transcripts); c.9142_9145del, p.Arg3048fs (NM_001292009.2); short protein forms R3027fs, R3048fs.
Identifiers: ClinVar variation 556940 (VCV000556940.17), dbSNP rs1427770112, ClinGen allele CA658822739.

ClinVar aggregate classification (germline): Pathogenic/Likely pathogenic. Review status: criteria provided, multiple submitters, no conflicts (2 of 4 stars). 7 submissions from 7 submitters: Pathogenic (2); Likely pathogenic (3). 2 of the submissions do not count toward it. Last evaluated 2025-07-03.

Conditions:
Retinitis pigmentosa (RP). Identifiers: Orphanet 791, MedGen C0035334, MeSH D012174, MONDO:0019200, OMIM 268000. Inheritance: Autosomal dominant, autosomal recessive and X linked inheritance.
Retinal dystrophy. Also called: Inherited retinal dystrophy. Identifiers: Orphanet 71862, MedGen C0854723, MeSH D058499, MONDO:0019118, HP:0000556.
EYS-related disorder. Also called: EYS-related condition.
Retinitis pigmentosa 25 (RP25). Identifiers: Orphanet 791, MedGen C1864446, MONDO:0011272, OMIM 602772.

Submissions (7):

Natera, Inc.
Classification: Likely pathogenic for Retinitis pigmentosa type 25. Last evaluated: 2025-07-03. Review status: criteria provided, single submitter. Criteria: Natera Variant Classification Schema (03/2026). Collection method: clinical testing. Allele origin: germline.
Comment: The c.9079_9082delAGAA variant in EYS is a frameshift variant predicted to shift the reading frame beginning at codon 3027 and leads to a stop codon 5 codons downstream. This variant is expected to result in nonsense mediated decay, truncation, or a dysfunctional protein product. This variant is rare in the general population with a frequency below the threshold expected for the associated phenotype(s). Given the available evidence, this variant is classified as Likely Pathogenic.

Labcorp Genetics (formerly Invitae), Labcorp
Classification: Pathogenic. Last evaluated: 2025-03-10. Review status: criteria provided, single submitter. Criteria: Invitae Variant Classification Sherloc (09022015). Collection method: clinical testing. Allele origin: germline.
Comment: This sequence change creates a premature translational stop signal (p.Arg3027Serfs*5) in the EYS gene. While this is not anticipated to result in nonsense mediated decay, it is expected to disrupt the last 118 amino acid(s) of the EYS protein. This variant is not present in population databases (gnomAD no frequency). This variant has not been reported in the literature in individuals affected with EYS-related conditions. ClinVar contains an entry for this variant (Variation ID: 556940). This variant disrupts a region of the EYS protein in which other variant(s) (p.Tyr3135*) have been determined to be pathogenic (PMID: 18976725, 30337596). This suggests that this is a clinically significant region of the protein, and that variants that disrupt it are likely to be disease-causing. For these reasons, this variant has been classified as Pathogenic.

Baylor Genetics
Classification: Likely pathogenic for Retinitis pigmentosa 25. Last evaluated: 2023-11-18. Review status: criteria provided, single submitter. Criteria: ACMG Guidelines, 2015. Collection method: clinical testing. Allele origin: unknown.

Blueprint Genetics
Classification: Pathogenic for EYS-related disorders. Last evaluated: 2022-07-05. Review status: criteria provided, single submitter. Criteria: ACMG Guidelines, 2015. Collection method: clinical testing. Allele origin: germline. Affected: yes. Observed: 4 variant alleles.

Women's Health and Genetics/Laboratory Corporation of America, LabCorp
Classification: Likely pathogenic for Retinitis pigmentosa. Last evaluated: 2021-10-28. Review status: criteria provided, single submitter. Criteria: LabCorp Variant Classification Summary - May 2015. Collection method: clinical testing. Allele origin: germline.
Comment: Variant summary: EYS c.9079_9082delAGAA (p.Arg3027SerfsX5) results in a premature termination codon, predicted to cause a truncation of the encoded protein or absence of the protein due to nonsense mediated decay, which are commonly known mechanisms for disease. Truncations downstream of this position have been classified as pathogenic in ClinVar database ((e.g. c.9098del (p.Ser3033fs), c.9166_9167del (p.Ile3056fs)). The variant was absent in 156042 control chromosomes (gnomAD). To our knowledge, no occurrence of c.9079_9082delAGAA in individuals affected with Retinitis Pigmentosa and no experimental evidence demonstrating its impact on protein function have been reported. Two ClinVar submitters (evaluation after 2014) cite the variant as pathogenic and likely pathogenic. Based on the evidence outlined above, the variant was classified as likely pathogenic.

Institute of Human Genetics, Univ. Regensburg, Univ. Regensburg
Classification: Pathogenic for Retinal dystrophy. Last evaluated: 2019-01-01. Review status: no assertion criteria provided. Criteria: ACMG Guidelines, 2015. Collection method: clinical testing. Allele origin: germline. Affected: yes. Not counted in ClinVar's aggregate classification.

Counsyl
Classification: Likely pathogenic for Retinitis pigmentosa 25. Last evaluated: 2018-02-28. Review status: no assertion criteria provided. Collection method: clinical testing. Allele origin: unknown. Not counted in ClinVar's aggregate classification.

Literature cited by the submitters: PubMed 18976725 (cited by Labcorp Genetics (formerly Invitae), Labcorp); PubMed 30337596 (cited by Labcorp Genetics (formerly Invitae), Labcorp).